The following is an entry in ClinVar:

NM_000834.5(GRIN2B):c.2011-4C>T

Gene: GRIN2B (glutamate ionotropic receptor NMDA type subunit 2B; minus strand). Cytogenetic location: 12p13.1.
Variant type: single nucleotide variant.
Coding change: c.2011-4C>T on transcript NM_000834.5 (MANE Select); 4 bases into the intron before coding-DNA position 2011, C replaced by T.
Molecular consequence: intron variant.
Genome position (GRCh38, 1-based): chr12:13,571,968, G>A on the plus strand (C>T on the coding strand, the complement: GRIN2B is on the minus strand). VCF-style: chr12-13571968-G-A. GRCh37 (hg19) VCF-style: chr12-13724902-G-A.
Identifiers: ClinVar variation 806837 (VCV000806837.46), dbSNP rs1447482208, ClinGen allele CA685602804.

ClinVar aggregate classification (germline): Likely benign. Review status: criteria provided, multiple submitters, no conflicts (2 of 4 stars). 2 submissions from 2 submitters: Likely benign (2). Last evaluated 2025-06-01.

Conditions:
Intellectual developmental disorder, autosomal dominant 6, with or without seizures. Also called: Intellectual disability, autosomal dominant 6; GRIN2B-related developmental delay, intellectual disability and autism spectrum disorder. Identifiers: Orphanet 589547, MedGen C3151411, MONDO:0013509, OMIM 613970.
Developmental and epileptic encephalopathy, 27 (DEE27). Also called: GRIN2B-Related Neurodevelopmental Disorder; Epileptic encephalopathy, early infantile, 27. Identifiers: Orphanet 3451, MedGen C4015316, MONDO:0014505, OMIM 616139.

Allele frequency attached by ClinVar (database versions not stated): gnomAD exomes below 0.00001; TOPMed below 0.00001.
gnomAD v4.1: 2 of 1,611,522 alleles (0.00012%); highest among the groups gnomAD compares: East Asian, 0.0022%; no homozygotes.

Submissions (2):

CeGaT Center for Human Genetics Tuebingen
Classification: Likely benign. Last evaluated: 2025-06-01. Review status: criteria provided, single submitter. Criteria: CeGaT Center For Human Genetics Tuebingen Variant Classification Criteria Version 2. Collection method: clinical testing. Allele origin: germline. Affected: yes. Observed: 4 variant alleles.
Comment: GRIN2B: BP4

Labcorp Genetics (formerly Invitae), Labcorp
Classification: Likely benign for Developmental and epileptic encephalopathy, 27; Intellectual developmental disorder, autosomal dominant 6, with or without seizures. Last evaluated: 2024-09-03. Review status: criteria provided, single submitter. Criteria: Invitae Variant Classification Sherloc (09022015). Collection method: clinical testing. Allele origin: germline.